The following is an entry in ClinVar:

ClinVar aggregate classification (germline): Uncertain significance (1 of 4 stars; one submission).

Allele frequency attached by ClinVar (database versions not stated): gnomAD 0.00001; gnomAD exomes 0.00001; TOPMed 0.00001.

Submission:

Labcorp Genetics (formerly Invitae), Labcorp
Classification: Uncertain significance. Last evaluated: 2022-08-02. Review status: criteria provided, single submitter. Criteria: Invitae Variant Classification Sherloc (09022015). Collection method: clinical testing. Allele origin: germline.
Comment: In summary, the available evidence is currently insufficient to determine the role of this variant in disease. Therefore, it has been classified as a Variant of Uncertain Significance. Experimental studies and prediction algorithms are not available or were not evaluated, and the functional significance of this variant is currently unknown. This variant has not been reported in the literature in individuals affected with RERE-related conditions. This variant is present in population databases (no rsID available, gnomAD 0.002%). This variant, c.3956_3964del, results in the deletion of 3 amino acid(s) of the RERE protein (p.Leu1319_Glu1321del), but otherwise preserves the integrity of the reading frame.

NM_001042681.2(RERE):c.3956_3964del (p.Leu1319_Glu1321del)

Gene: RERE (arginine-glutamic acid dipeptide repeats; minus strand). Cytogenetic location: 1p36.23.
Variant type: Deletion.
Coding change: c.3956_3964del on transcript NM_001042681.2 (MANE Select); coding-DNA positions 3956 to 3964, 9 bases deleted (TGCGGGAGA; older notation c.3956_3964delTGCGGGAGA).
Protein change: p.Leu1319_Glu1321del.
Molecular consequence: inframe deletion.
Genome position (GRCh38, 1-based): chr1:8,358,571-8,358,579, TCTCCCGCA deleted on the plus strand (TGCGGGAGA on the coding strand, the reverse complement: RERE is on the minus strand). VCF-style (leftmost placement, unchanged base first): chr1-8358570-CTCTCCCGCA-C. GRCh37 (hg19) VCF-style: chr1-8418630-CTCTCCCGCA-C.
Other names: c.2294_2302del, p.Leu765_Glu767del (NM_001042682.2); c.3956_3964del, p.Leu1319_Glu1321del (NM_012102.4).
Identifiers: ClinVar variation 2420079 (VCV002420079.6), dbSNP rs1408890566, ClinGen allele CA521020059.